The following is an entry in ClinVar:

NM_001387283.1(SMARCA4):c.4199C>T (p.Thr1400Ile)

Gene: SMARCA4 (SWI/SNF related BAF chromatin remodeling complex subunit ATPase 4; plus strand). Cytogenetic location: 19p13.2.
Variant type: single nucleotide variant.
Coding change: c.4199C>T on transcript NM_001387283.1 (MANE Plus Clinical); coding-DNA position 4199, C replaced by T.
Protein change: p.Thr1400Ile; replaces threonine 1400 with isoleucine.
Molecular consequence: missense variant. On other transcripts: intron variant (7).
Genome position (GRCh38, 1-based): chr19:11,039,486, C>T. VCF-style: chr19-11039486-C-T. GRCh37 (hg19) VCF-style: chr19-11150162-C-T.
Other names: c.4199C>T, p.Thr1400Ile (NM_001128849.3); c.4100C>T, p.Thr1367Ile (NM_001411150.1); c.4171-1821C>T (NM_001128844.3, NM_003072.5); c.4072-1821C>T (NM_001128847.4, NM_001374457.1, NM_001128848.2); c.4072-1812C>T (NM_001128845.2, NM_001128846.2); short protein forms T1367I, T1400I.
Identifiers: ClinVar variation 1738605 (VCV001738605.2), dbSNP rs1600445482, ClinGen allele CA404071284.
Genomic context (GRCh38, chr19:11,039,486, plus strand): 5'-CACTAAACAGACATTAAAAAATTTTGTTGTAGAAAATTACAGGAAAAGATATCCATGACA[C>T]AGCCAGCAGTGTGGCACGTGGGCTACAATTCCAGCGTGGCCTTCAGTTCTGCACACGTGC-3'
Protein context (NP_001374212.1, residues 1390-1410): KKITGKDIHD[Thr1400Ile]ASSVARGLQF

ClinVar aggregate classification (germline): Uncertain significance (1 of 4 stars; one submission).

Conditions:
Hereditary cancer-predisposing syndrome. Also called: Hereditary Cancer Syndrome; Hereditary neoplastic syndrome; Neoplastic Syndromes, Hereditary; Tumor predisposition. Identifiers: Orphanet 140162, MedGen C0027672, MeSH D009386, MONDO:0015356.

gnomAD v4.1: 2 of 1,603,270 alleles (0.00012%); highest among the groups gnomAD compares: Non-Finnish European, 0.00017%; no homozygotes.

Submission:

Ambry Genetics
Classification: Uncertain significance for Hereditary cancer-predisposing syndrome. Last evaluated: 2022-06-28. Review status: criteria provided, single submitter. Criteria: Ambry Variant Classification Scheme 2023. Collection method: clinical testing. Allele origin: germline.
Comment: The p.T1400I variant (also known as c.4199C>T), located in coding exon 29 of the SMARCA4 gene, results from a C to T substitution at nucleotide position 4199. The threonine at codon 1400 is replaced by isoleucine, an amino acid with similar properties. This amino acid position is highly conserved in available vertebrate species. In addition, this alteration is predicted to be tolerated by in silico analysis. Missense and in-frame variants in SMARCA4 are known to cause neurodevelopmental disorders; however, such associations with rhabdoid tumor predisposition syndrome including small cell carcinoma of the ovary-hypercalcemic type (SCCOHT) are exceedingly rare (Kosho T et al. Am J Med Genet C Semin Med Genet. 2014 Sep;166C(3):262-75; Jelinic P et al. Nat Genet. 2014 May;46(5):424-6). Based on the supporting evidence, the association of this alteration with Coffin-Siris syndrome is unknown; however, the association of this alteration with rhabdoid tumor predisposition syndrome is unlikely.